The following is an entry in ClinVar:

NM_000540.3(RYR1):c.9034A>G (p.Asn3012Asp)

Gene: RYR1 (ryanodine receptor 1; plus strand). Cytogenetic location: 19q13.2.
Variant type: single nucleotide variant.
Coding change: c.9034A>G on transcript NM_000540.3 (MANE Select); coding-DNA position 9034, A replaced by G.
Protein change: p.Asn3012Asp; replaces asparagine 3012 with aspartic acid.
Molecular consequence: missense variant.
Genome position (GRCh38, 1-based): chr19:38,510,693, A>G. VCF-style: chr19-38510693-A-G. GRCh37 (hg19) VCF-style: chr19-39001333-A-G.
Other names: c.9034A>G, p.Asn3012Asp (NM_001042723.2); short protein forms N3012D.
Identifiers: ClinVar variation 2254094 (VCV002254094.2), dbSNP rs2514394956, ClinGen allele CA405683669.

ClinVar aggregate classification (germline): Uncertain significance (1 of 4 stars; one submission).

Conditions:
Inborn genetic diseases. Identifiers: MedGen C0950123, MeSH D030342.

Submission:

Ambry Genetics
Classification: Uncertain significance for Inborn genetic diseases. Last evaluated: 2021-10-26. Review status: criteria provided, single submitter. Criteria: Ambry Variant Classification Scheme 2023. Collection method: clinical testing. Allele origin: germline.
Comment: The c.9034A>G (p.N3012D) alteration is located in exon 60 (coding exon 60) of the RYR1 gene. This alteration results from an A to G substitution at nucleotide position 9034, causing the asparagine (N) at amino acid position 3012 to be replaced by an aspartic acid (D). This variant was not reported in population-based cohorts in the Genome Aggregation Database (gnomAD). This amino acid position is highly conserved in available vertebrate species. This alteration is predicted to be tolerated by in silico analysis. Based on insufficient or conflicting evidence, the clinical significance of this alteration remains unclear.